The following is an entry in ClinVar:

NM_004655.4(AXIN2):c.649A>T (p.Ser217Cys)

Gene: AXIN2 (axin 2; minus strand). Cytogenetic location: 17q24.1.
Variant type: single nucleotide variant.
Coding change: c.649A>T on transcript NM_004655.4 (MANE Select); coding-DNA position 649, A replaced by T.
Protein change: p.Ser217Cys; replaces serine 217 with cysteine.
Molecular consequence: missense variant.
Genome position (GRCh38, 1-based): chr17:65,557,972, T>A on the plus strand (A>T on the coding strand, the complement: AXIN2 is on the minus strand). VCF-style: chr17-65557972-T-A. GRCh37 (hg19) VCF-style: chr17-63554090-T-A.
Other names: c.649A>T, p.Ser217Cys (NM_001363813.1); short protein forms S217C.
Identifiers: ClinVar variation 3224409 (VCV003224409.3), dbSNP rs2544248567, ClinGen allele CA400680571.

ClinVar aggregate classification (germline): Uncertain significance. Review status: criteria provided, multiple submitters, no conflicts (2 of 4 stars). 2 submissions from 2 submitters: Uncertain significance (2). Last evaluated 2025-11-25.

Conditions:
Colorectal cancer. Also called: Colorectal cancer, somatic; Malignant Colorectal Neoplasm. Identifiers: MedGen C0346629, MONDO:0005575, OMIM 114500.
Hereditary cancer-predisposing syndrome. Also called: Tumor predisposition; Hereditary neoplastic syndrome; Hereditary Cancer Syndrome; Neoplastic Syndromes, Hereditary. Identifiers: Orphanet 140162, MedGen C0027672, MeSH D009386, MONDO:0015356.

Submissions (2):

Ambry Genetics
Classification: Uncertain significance for Hereditary cancer-predisposing syndrome. Last evaluated: 2025-11-25. Review status: criteria provided, single submitter. Criteria: Ambry Variant Classification Scheme 2023. Collection method: clinical testing. Allele origin: germline.
Comment: The p.S217C variant (also known as c.649A>T), located in coding exon 1 of the AXIN2 gene, results from an A to T substitution at nucleotide position 649. The serine at codon 217 is replaced by cysteine, an amino acid with dissimilar properties. This amino acid position is well conserved in available vertebrate species. In addition, the in silico prediction for this alteration is inconclusive. Based on the available evidence, the clinical significance of this variant remains unclear.

Baylor Genetics
Classification: Uncertain significance for Colorectal cancer. Last evaluated: 2024-03-24. Review status: criteria provided, single submitter. Criteria: ACMG Guidelines, 2015. Collection method: clinical testing. Allele origin: unknown.